The following is an entry in ClinVar:

NM_001267550.2(TTN):c.71769T>C (p.Asp23923=)

Genes: TTN (titin; minus strand), TTN-AS1 (TTN antisense RNA 1; plus strand). Cytogenetic location: 2q31.2.
Variant type: single nucleotide variant.
Coding change: c.71769T>C on transcript NM_001267550.2 (MANE Select); coding-DNA position 71769, T replaced by C.
Protein change: p.Asp23923=; no amino-acid change (aspartic acid 23923 retained).
Molecular consequence: synonymous variant.
Genome position (GRCh38, 1-based): chr2:178,574,363, A>G on the plus strand (T>C on the coding strand, the complement: TTN is on the minus strand). VCF-style: chr2-178574363-A-G. GRCh37 (hg19) VCF-style: chr2-179439090-A-G.
Other names: c.66846T>C, p.Asp22282= (NM_001256850.1); c.44574T>C, p.Asp14858= (NM_003319.4); c.64065T>C, p.Asp21355= (NM_133378.4); c.44949T>C, p.Asp14983= (NM_133432.3); c.45150T>C, p.Asp15050= (NM_133437.4).
Identifiers: ClinVar variation 1090038 (VCV001090038.37), dbSNP rs770323152, ClinGen allele CA1990587.

ClinVar aggregate classification (germline): Likely benign. Review status: criteria provided, multiple submitters, no conflicts (2 of 4 stars). 4 submissions from 4 submitters: Likely benign (4). Last evaluated 2025-12-23.

Conditions:
Autosomal recessive limb-girdle muscular dystrophy type 2J (LGMDR10). Also called: Limb-girdle muscular dystrophy, type 2J; MUSCULAR DYSTROPHY, LIMB-GIRDLE, AUTOSOMAL RECESSIVE 10. Identifiers: Orphanet 140922, MedGen C1837342, MONDO:0012127, OMIM 608807.
Dilated cardiomyopathy 1G (CMD1G). Identifiers: Orphanet 154, MedGen C1858763, MONDO:0011400, OMIM 604145.
Cardiovascular phenotype. Identifiers: MedGen CN230736.

Allele frequency attached by ClinVar (database versions not stated): ExAC 0.00002; gnomAD 0.00002; TOPMed 0.00002; gnomAD exomes 0.00003 and 0.00001.
gnomAD v4.1: 18 of 1,613,454 alleles (0.0011%); highest among the groups gnomAD compares: African/African-American, 0.0013%; no homozygotes.

Submissions (4):

Labcorp Genetics (formerly Invitae), Labcorp
Classification: Likely benign for Dilated cardiomyopathy 1G; Autosomal recessive limb-girdle muscular dystrophy type 2J. Last evaluated: 2025-12-23. Review status: criteria provided, single submitter. Criteria: Invitae Variant Classification Sherloc (09022015). Collection method: clinical testing. Allele origin: germline.

Ambry Genetics
Classification: Likely benign for Cardiovascular phenotype. Last evaluated: 2024-09-08. Review status: criteria provided, single submitter. Criteria: Ambry Variant Classification Scheme 2023. Collection method: clinical testing. Allele origin: germline.

CeGaT Center for Human Genetics Tuebingen
Classification: Likely benign. Last evaluated: 2022-03-01. Review status: criteria provided, single submitter. Criteria: CeGaT Center For Human Genetics Tuebingen Variant Classification Criteria Version 2. Collection method: clinical testing. Allele origin: germline. Affected: yes. Observed: 1 variant allele.
Comment: TTN: BP4, BP7

GeneDx
Classification: Likely benign. Last evaluated: 2019-01-21. Review status: criteria provided, single submitter. Criteria: GeneDx Variant Classification Process June 2021. Collection method: clinical testing. Allele origin: germline. Affected: yes.